The following is an entry in ClinVar:

NM_001793.6(CDH3):c.2441G>A (p.Ser814Asn)

Gene: CDH3 (cadherin 3; plus strand). Cytogenetic location: 16q22.1.
Variant type: single nucleotide variant.
Coding change: c.2441G>A on transcript NM_001793.6 (MANE Select); coding-DNA position 2441, G replaced by A.
Protein change: p.Ser814Asn; replaces serine 814 with asparagine.
Molecular consequence: missense variant. On other transcripts: 3 prime UTR variant (1).
Genome position (GRCh38, 1-based): chr16:68,698,351, G>A. VCF-style: chr16-68698351-G-A. GRCh37 (hg19) VCF-style: chr16-68732254-G-A.
Other names: c.*184G>A (NM_001317195.3); c.2276G>A, p.Ser759Asn (NM_001317196.2); short protein forms S759N, S814N.
Identifiers: ClinVar variation 1978690 (VCV001978690.4), dbSNP rs1435188983, ClinGen allele CA396456952.

ClinVar aggregate classification (germline): Uncertain significance (1 of 4 stars; one submission).

gnomAD v4.1: 2 of 1,614,238 alleles (0.00012%); highest among the groups gnomAD compares: Admixed American, 0.0017%; no homozygotes.

Submission:

Labcorp Genetics (formerly Invitae), Labcorp
Classification: Uncertain significance. Last evaluated: 2025-01-13. Review status: criteria provided, single submitter. Criteria: Invitae Variant Classification Sherloc (09022015). Collection method: clinical testing. Allele origin: germline.
Comment: This sequence change replaces serine, which is neutral and polar, with asparagine, which is neutral and polar, at codon 814 of the CDH3 protein (p.Ser814Asn). This variant is present in population databases (no rsID available, gnomAD 0.003%). This variant has not been reported in the literature in individuals affected with CDH3-related conditions. ClinVar contains an entry for this variant (Variation ID: 1978690). An algorithm developed to predict the effect of missense changes on protein structure and function outputs the following: PolyPhen-2: "Benign". The asparagine amino acid residue is found in multiple mammalian species, which suggests that this missense change does not adversely affect protein function. In summary, the available evidence is currently insufficient to determine the role of this variant in disease. Therefore, it has been classified as a Variant of Uncertain Significance.